The following is an entry in ClinVar:

NM_031407.7(HUWE1):c.5150A>G (p.Asn1717Ser)

Gene: HUWE1 (HECT, UBA and WWE domain containing E3 ubiquitin protein ligase 1; minus strand). Cytogenetic location: Xp11.22.
Variant type: single nucleotide variant.
Coding change: c.5150A>G on transcript NM_031407.7 (MANE Select); coding-DNA position 5150, A replaced by G.
Protein change: p.Asn1717Ser; replaces asparagine 1717 with serine.
Molecular consequence: missense variant.
Genome position (GRCh38, 1-based): chrX:53,584,197, T>C on the plus strand (A>G on the coding strand, the complement: HUWE1 is on the minus strand). VCF-style: chrX-53584197-T-C. GRCh37 (hg19) VCF-style: chrX-53611157-T-C.
Other names: c.5150A>G (NM_031407.6); short protein forms N1717S.
Identifiers: ClinVar variation 1745670 (VCV001745670.6), dbSNP rs782651139, ClinGen allele CA10422293.

ClinVar aggregate classification (germline): Benign/Likely benign. Review status: criteria provided, multiple submitters, no conflicts (2 of 4 stars). 3 submissions from 3 submitters: Benign (1); Likely benign (1). 1 of the submissions does not count toward it. Last evaluated 2024-08-19.

Conditions:
HUWE1-related disorder. Also called: HUWE1-related condition.
Inborn genetic diseases. Identifiers: MedGen C0950123, MeSH D030342.

Allele frequency attached by ClinVar (database versions not stated): gnomAD exomes 0.00002; gnomAD 0.00003; ExAC 0.00008; TOPMed 0.00011.
gnomAD v4.1: 19 of 1,208,114 alleles (0.0016%); highest among the groups gnomAD compares: East Asian, 0.056%; no homozygotes.

Submissions (3):

Labcorp Genetics (formerly Invitae), Labcorp
Classification: Benign. Last evaluated: 2024-08-19. Review status: criteria provided, single submitter. Criteria: Invitae Variant Classification Sherloc (09022015). Collection method: clinical testing. Allele origin: germline.

Ambry Genetics
Classification: Likely benign for Inborn genetic diseases. Last evaluated: 2017-11-02. Review status: criteria provided, single submitter. Criteria: Ambry Variant Classification Scheme 2023. Collection method: clinical testing. Allele origin: germline.

PreventionGenetics, part of Exact Sciences
Classification: Likely benign for HUWE1-related condition. Last evaluated: 2022-10-18. Review status: no assertion criteria provided. Collection method: clinical testing. Allele origin: germline. Not counted in ClinVar's aggregate classification.
Comment: This variant is classified as likely benign based on ACMG/AMP sequence variant interpretation guidelines (Richards et al. 2015 PMID: 25741868, with internal and published modifications).